The following is an entry in ClinVar:

NM_001854.4(COL11A1):c.4742G>T (p.Gly1581Val)

Gene: COL11A1 (collagen type XI alpha 1 chain; minus strand). Cytogenetic location: 1p21.1.
Variant type: single nucleotide variant.
Coding change: c.4742G>T on transcript NM_001854.4 (MANE Select); coding-DNA position 4742, G replaced by T.
Protein change: p.Gly1581Val; replaces glycine 1581 with valine.
Molecular consequence: missense variant. On other transcripts: non-coding transcript variant (1).
Genome position (GRCh38, 1-based): chr1:102,886,923, C>A on the plus strand (G>T on the coding strand, the complement: COL11A1 is on the minus strand). VCF-style: chr1-102886923-C-A. GRCh37 (hg19) VCF-style: chr1-103352479-C-A.
Other names: c.4394G>T, p.Gly1465Val (NM_001168249.1, NM_080630.4); c.4625G>T, p.Gly1542Val (NM_001190709.2); c.4778G>T, p.Gly1593Val (NM_080629.3); c.4742G>T (NM_001854.3); short protein forms G1465V, G1542V, G1581V, G1593V.
Identifiers: ClinVar variation 2780852 (VCV002780852.4), dbSNP rs773151919, ClinGen allele CA341211956.

ClinVar aggregate classification (germline): Uncertain significance. Review status: criteria provided, multiple submitters, no conflicts (2 of 4 stars). 2 submissions from 2 submitters: Uncertain significance (2). Last evaluated 2026-07-08.

Conditions:
Inborn genetic diseases. Identifiers: MedGen C0950123, MeSH D030342.

Allele frequency attached by ClinVar (database versions not stated): gnomAD 0.00001; gnomAD exomes below 0.00001.
gnomAD v4.1: 5 of 1,613,668 alleles (0.00031%); highest among the groups gnomAD compares: Admixed American, 0.0017%; no homozygotes.

Submissions (2):

Ambry Genetics
Classification: Uncertain significance for Inborn genetic diseases. Last evaluated: 2026-07-08. Review status: criteria provided, single submitter. Criteria: Ambry Variant Classification Scheme 2023. Collection method: clinical testing. Allele origin: germline.

Labcorp Genetics (formerly Invitae), Labcorp
Classification: Uncertain significance. Last evaluated: 2023-04-24. Review status: criteria provided, single submitter. Criteria: Invitae Variant Classification Sherloc (09022015). Collection method: clinical testing. Allele origin: germline.
Comment: This sequence change replaces glycine, which is neutral and non-polar, with valine, which is neutral and non-polar, at codon 1581 of the COL11A1 protein (p.Gly1581Val). In summary, the available evidence is currently insufficient to determine the role of this variant in disease. Therefore, it has been classified as a Variant of Uncertain Significance. Advanced modeling of protein sequence and biophysical properties (such as structural, functional, and spatial information, amino acid conservation, physicochemical variation, residue mobility, and thermodynamic stability) performed at Invitae indicates that this missense variant is not expected to disrupt COL11A1 protein function. This variant has not been reported in the literature in individuals affected with COL11A1-related conditions. This variant is not present in population databases (gnomAD no frequency).